The following is an entry in ClinVar:

ClinVar aggregate classification (germline): Benign/Likely benign. Review status: criteria provided, multiple submitters, no conflicts (2 of 4 stars). 3 submissions from 3 submitters: Benign (1); Likely benign (2). Last evaluated 2026-04-17.

Conditions:
DICER1-related tumor predisposition. Also called: DICER1-related pleuropulmonary blastoma cancer predisposition syndrome; DICER1 syndrome. Identifiers: Orphanet 284343, MedGen C3839822, MONDO:0100216.
Hereditary cancer-predisposing syndrome. Also called: Hereditary Cancer Syndrome; Hereditary neoplastic syndrome; Neoplastic Syndromes, Hereditary; Tumor predisposition. Identifiers: Orphanet 140162, MedGen C0027672, MeSH D009386, MONDO:0015356.

Allele frequency attached by ClinVar (database versions not stated): TOPMed below 0.00001; gnomAD exomes below 0.00001 and 0.00001; ExAC 0.00001; gnomAD 0.00001.
gnomAD v4.1: 23 of 1,614,052 alleles (0.0014%); highest among the groups gnomAD compares: Non-Finnish European, 0.0016%; no homozygotes.

Submissions (3):

Myriad Genetics, Inc.
Classification: Benign for DICER1-related tumor predisposition. Last evaluated: 2026-04-17. Review status: criteria provided, single submitter. Criteria: Myriad Autosomal Dominant, Autosomal Recessive and X-Linked Classification Criteria (2023). Collection method: clinical testing. Allele origin: unknown.
Comment: This variant is considered benign. This variant is a silent/synonymous amino acid change and it is not expected to impact splicing.

Labcorp Genetics (formerly Invitae), Labcorp
Classification: Likely benign for DICER1-related tumor predisposition. Last evaluated: 2025-12-22. Review status: criteria provided, single submitter. Criteria: Invitae Variant Classification Sherloc (09022015). Collection method: clinical testing. Allele origin: germline.

Ambry Genetics
Classification: Likely benign for Hereditary cancer-predisposing syndrome. Last evaluated: 2019-12-26. Review status: criteria provided, single submitter. Criteria: Ambry Variant Classification Scheme 2023. Collection method: clinical testing. Allele origin: germline.

NM_177438.3(DICER1):c.3654C>G (p.Ser1218=)

Gene: DICER1 (dicer 1, ribonuclease III; minus strand). Cytogenetic location: 14q32.13.
Variant type: single nucleotide variant.
Coding change: c.3654C>G on transcript NM_177438.3 (MANE Select); coding-DNA position 3654, C replaced by G.
Protein change: p.Ser1218=; no amino-acid change (serine 1218 retained).
Molecular consequence: synonymous variant.
Genome position (GRCh38, 1-based): chr14:95,103,742, G>C on the plus strand (C>G on the coding strand, the complement: DICER1 is on the minus strand). VCF-style: chr14-95103742-G-C. GRCh37 (hg19) VCF-style: chr14-95570079-G-C.
Other names: c.3654C>G, p.Ser1218= (NM_001195573.1, NM_001271282.3, NM_001291628.2 and 1 more transcripts).
Identifiers: ClinVar variation 715295 (VCV000715295.17), dbSNP rs745320264, ClinGen allele CA7331012.